The following is an entry in ClinVar:

NM_000017.4(ACADS):c.320_321inv (p.Arg107His)

Gene: ACADS (acyl-CoA dehydrogenase short chain; plus strand). Cytogenetic location: 12q24.31.
Variant type: Inversion.
Coding change: c.320_321inv on transcript NM_000017.4 (MANE Select).
Protein change: p.Arg107His; replaces arginine 107 with histidine.
Molecular consequence: missense variant.
Genome position: GRCh38 VCF-style: chr12-120737095-GT-AC. GRCh37 (hg19) VCF-style: chr12-121174898-GT-AC.
Other names: c.320_321inv, p.Arg107His (NM_001302554.2); short protein forms R107H.
Identifiers: ClinVar variation 2867626 (VCV002867626.5), ClinGen allele CA2739277342.
Genomic context (GRCh38, chr12:120,737,095, plus strand): 5'-AGCTTGGCGGTGCTGGCCTCGATTACCTGGCCTACGCCATCGCCATGGAGGAGATCAGCC[GT>AC]GGCTGCGCCTCCACCGGAGTCATCATGAGTGTCAACAACGTGAGCCCCCTCCCAGGCCCC-3'
Protein context (NP_000008.1, residues 97-117): AYAIAMEEIS[Arg107His]GCASTGVIMS

ClinVar aggregate classification (germline): Conflicting classifications of pathogenicity. Review status: criteria provided, conflicting classifications (1 of 4 stars). 2 submissions from 2 submitters: Likely pathogenic (1); Uncertain significance (1). Last evaluated 2022-12-08.

Conditions:
Deficiency of butyryl-CoA dehydrogenase (ACADSD). Also called: SCAD DEFICIENCY, MILD; ACYL-CoA DEHYDROGENASE, SHORT-CHAIN, DEFICIENCY OF; SCADH DEFICIENCY; SCAD Deficiency; Short-Chain Acyl-CoA Dehydrogenase Deficiency; ACADS DEFICIENCY. Identifiers: Orphanet 26792, MedGen C0342783, MONDO:0008722, OMIM 201470. Disease mechanism: May be benign.

Submissions (2):

Labcorp Genetics (formerly Invitae), Labcorp
Classification: Uncertain significance for Deficiency of butyryl-CoA dehydrogenase. Last evaluated: 2022-12-08. Review status: criteria provided, single submitter. Criteria: Invitae Variant Classification Sherloc (09022015). Collection method: clinical testing. Allele origin: germline.
Comment: In summary, the available evidence is currently insufficient to determine the role of this variant in disease. Therefore, it has been classified as a Variant of Uncertain Significance. This variant disrupts the p.Arg107 amino acid residue in ACADS. Other variant(s) that disrupt this residue have been determined to be pathogenic (PMID: 18054510, 18523805, 18676165, 22241096). This suggests that this residue is clinically significant, and that variants that disrupt this residue are likely to be disease-causing. Algorithms developed to predict the effect of missense changes on protein structure and function are either unavailable or do not agree on the potential impact of this missense change (SIFT: "Not Available"; PolyPhen-2: "Probably Damaging"; Align-GVGD: "Not Available"). This missense change has been observed in individual(s) with short chain acyl-CoA dehydrogenase (SCAD) deficiency (PMID: 22241096). Information on the frequency of this variant in the gnomAD database is not available, as this variant may be reported differently in the database. This sequence change replaces arginine, which is basic and polar, with histidine, which is basic and polar, at codon 107 of the ACADS protein (p.Arg107His).

Juno Genomics, Hangzhou Juno Genomics, Inc
Classification: Likely pathogenic for Deficiency of butyryl-CoA dehydrogenase. Review status: criteria provided, single submitter. Criteria: ACMG Guidelines, 2015. Collection method: clinical testing. Allele origin: germline.
Comment: Absent from controls (or at extremely low frequency if recessive) in Genome Aggregation Database.;Novel missense change at an amino acid residue where a different missense change determined to be pathogenic has been seen before.;Multiple lines of computational evidence support a deleterious effect on the gene or gene product.

Literature cited by the submitters: PubMed 18054510 (cited by Labcorp Genetics (formerly Invitae), Labcorp); PubMed 18523805 (cited by Labcorp Genetics (formerly Invitae), Labcorp); PubMed 18676165 (cited by Labcorp Genetics (formerly Invitae), Labcorp); PubMed 22241096 (cited by Labcorp Genetics (formerly Invitae), Labcorp).